The following is an entry in ClinVar:

NM_007294.4(BRCA1):c.5027dup (p.Leu1676fs)

Gene: BRCA1 (BRCA1 DNA repair associated; minus strand). Cytogenetic location: 17q21.31.
Variant type: Duplication.
Coding change: c.5027dup on transcript NM_007294.4 (MANE Select); coding-DNA position 5027, one base duplicated (T; older notation c.5027dupT).
Protein change: p.Leu1676fs; shifts the reading frame from leucine 1676.
Molecular consequence: frameshift variant. On other transcripts: non-coding transcript variant (1).
Genome position (GRCh38, 1-based): chr17:43,067,655, A duplicated on the plus strand (T on the coding strand, the reverse complement: BRCA1 is on the minus strand); the first of 3 consecutive A bases (chr17:43,067,655-43,067,657); duplicating any one gives the same sequence. VCF-style (leftmost placement, unchanged base first): chr17-43067654-T-TA. GRCh37 (hg19) VCF-style: chr17-41219671-T-TA.
Other names: c.5027dupT (NM_007294.3); c.4641dup, p.Leu1548Phefs (NM_001407962.1, NM_001407960.1); c.4638dup, p.Leu1547Phefs (NM_001407963.1); c.4563dup, p.Leu1522Phefs (NM_001407964.1); c.4518dup, p.Leu1507Phefs (NM_001407965.1); c.4137dup, p.Leu1380Phefs (NM_001407966.1); c.4134dup, p.Leu1379Phefs (NM_001407967.1); c.2421dup, p.Leu808Phefs (NM_001407968.1); and 74 more; short protein forms L1676fs, L1697fs, L1629fs, L572fs.
Identifiers: ClinVar variation 55357 (VCV000055357.4), dbSNP rs397509217, ClinGen allele CA327956.
Genomic context (GRCh38, chr17:43,067,654, plus strand): 5'-GGTTCTTGGTATACCTGTTTTCATAACAACATGAGTAGTCTCTTCAGTAATTAGATTAGT[T>TA]AAAGTGATGTGGTGTTTTCTGGCAAACTTGTACACGAGCATCTGAAATTAAATCAAATAT-3'

ClinVar aggregate classification (germline): Pathogenic (3 of 4 stars; one submission).

Conditions:
Breast-ovarian cancer, familial, susceptibility to, 1 (BROVCA1). Also called: BRCA1 Hereditary Breast and Ovarian Cancer; OVARIAN CANCER, SUSCEPTIBILITY TO. Identifiers: Orphanet 145, MedGen C2676676, MONDO:0011450, OMIM 604370. Disease mechanism: loss of function.

Submission:

Evidence-based Network for the Interpretation of Germline Mutant Alleles (ENIGMA)
Classification: Pathogenic for Breast-ovarian cancer, familial, susceptibility to, 1. Last evaluated: 2016-09-08. Review status: reviewed by expert panel. Criteria: ENIGMA BRCA1/2 Classification Criteria (2015). Collection method: curation. Allele origin: germline.
Comment: Variant allele predicted to encode a truncated non-functional protein.